The following is an entry in ClinVar:

ClinVar aggregate classification (germline): Uncertain significance. Review status: criteria provided, multiple submitters, no conflicts (2 of 4 stars). 2 submissions from 2 submitters: Uncertain significance (2). Last evaluated 2026-04-14.

Conditions:
SH2B1-related disorder. Also called: SH2B1-related condition.

Allele frequency attached by ClinVar (database versions not stated): gnomAD exomes 0.00001; ExAC 0.00003; gnomAD 0.00003; 1000 Genomes Project 30x 0.00016; 1000 Genomes Project 0.00020.

Submissions (2):

PreventionGenetics, part of Exact Sciences
Classification: Uncertain significance for SH2B1-related condition. Last evaluated: 2026-04-14. Review status: criteria provided, single submitter. Criteria: ACMG Guidelines, 2015. Collection method: clinical testing. Allele origin: germline.
Comment: The SH2B1 c.976A>G variant is predicted to result in the amino acid substitution p.Ile326Val. To our knowledge, this variant has not been reported in the literature. This variant is reported in 0.023% of alleles in individuals of South Asian descent in gnomAD. At this time, the clinical significance of this variant is uncertain due to the absence of conclusive functional and genetic evidence.

Ambry Genetics
Classification: Uncertain significance. Last evaluated: 2024-09-27. Review status: criteria provided, single submitter. Criteria: Ambry Variant Classification Scheme 2023. Collection method: clinical testing. Allele origin: germline.

NM_001387430.1(SH2B1):c.976A>G (p.Ile326Val)

Gene: SH2B1 (SH2B adaptor protein 1; plus strand). Cytogenetic location: 16p11.2.
Variant type: single nucleotide variant.
Coding change: c.976A>G on transcript NM_001387430.1 (MANE Select); coding-DNA position 976, A replaced by G.
Protein change: p.Ile326Val; replaces isoleucine 326 with valine.
Molecular consequence: missense variant. On other transcripts: intron variant (1).
Genome position (GRCh38, 1-based): chr16:28,867,367, A>G. VCF-style: chr16-28867367-A-G. GRCh37 (hg19) VCF-style: chr16-28878688-A-G.
Other names: c.976A>G, p.Ile326Val (NM_001145795.2, NM_001145796.2, NM_001145797.2 and 4 more transcripts); c.-26-7A>G (NM_001308294.2); short protein forms I326V.
Identifiers: ClinVar variation 2636084 (VCV002636084.3), dbSNP rs556914868, ClinGen allele CA7986056.